The following is an entry in ClinVar:

ClinVar aggregate classification (germline): Uncertain significance. Review status: criteria provided, multiple submitters, no conflicts (2 of 4 stars). 3 submissions from 3 submitters: Uncertain significance (3). Last evaluated 2023-02-13.

Conditions:
Inborn genetic diseases. Identifiers: MedGen C0950123, MeSH D030342.

Allele frequency attached by ClinVar (database versions not stated): gnomAD 0.00001; TOPMed 0.00001.
gnomAD v4.1: 11 of 1,208,068 alleles (0.00091%); highest among the groups gnomAD compares: East Asian, 0.0059%; no homozygotes.

Submissions (3):

GeneDx
Classification: Uncertain significance. Last evaluated: 2023-02-13. Review status: criteria provided, single submitter. Criteria: GeneDx Variant Classification Process June 2021. Collection method: clinical testing. Allele origin: germline. Affected: yes.
Comment: Not observed at significant frequency in large population cohorts (gnomAD); In silico analysis supports that this missense variant does not alter protein structure/function; Has not been previously published as pathogenic or benign to our knowledge

Labcorp Genetics (formerly Invitae), Labcorp
Classification: Uncertain significance. Last evaluated: 2022-10-11. Review status: criteria provided, single submitter. Criteria: Invitae Variant Classification Sherloc (09022015). Collection method: clinical testing. Allele origin: germline.
Comment: Algorithms developed to predict the effect of missense changes on protein structure and function output the following: SIFT: "Tolerated"; PolyPhen-2: "Benign"; Align-GVGD: "Class C0". The threonine amino acid residue is found in multiple mammalian species, which suggests that this missense change does not adversely affect protein function. In summary, the available evidence is currently insufficient to determine the role of this variant in disease. Therefore, it has been classified as a Variant of Uncertain Significance. ClinVar contains an entry for this variant (Variation ID: 985615). This variant has not been reported in the literature in individuals affected with GRIA3-related conditions. This variant is not present in population databases (gnomAD no frequency). This sequence change replaces alanine, which is neutral and non-polar, with threonine, which is neutral and polar, at codon 14 of the GRIA3 protein (p.Ala14Thr).

Ambry Genetics
Classification: Uncertain significance for Inborn genetic diseases. Last evaluated: 2020-04-03. Review status: criteria provided, single submitter. Criteria: Ambry Variant Classification Scheme 2023. Collection method: clinical testing. Allele origin: germline.
Comment: The alteration results in an amino acid change:_x000D_ _x000D_ The c.40G>A (p.A14T) alteration is located in coding exon 1 of the GRIA3 gene. This alteration results from a G to A substitution at nucleotide position 40, causing the alanine (A) at amino acid position 14 to be replaced by a threonine (T). The alteration is not observed in population databases: _x000D_ _x000D_ Based on data from the Genome Aggregation Database (gnomAD), the GRIA3 c.40G>A alteration was not observed, with coverage at this position. The altered amino acid is not conserved throughout evolution:_x000D_ _x000D_ The p.A14 amino acid is not conserved in available vertebrate species. The alteration is predicted tolerated by in silico modeling:_x000D_ _x000D_ The p.A14T alteration is predicted to be tolerated by in silico analysis. Based on insufficient or conflicting evidence, the clinical significance of this alteration remains unclear.

NM_007325.5(GRIA3):c.40G>A (p.Ala14Thr)

Gene: GRIA3 (glutamate ionotropic receptor AMPA type subunit 3; plus strand). Cytogenetic location: Xq25.
Variant type: single nucleotide variant.
Coding change: c.40G>A on transcript NM_007325.5 (MANE Select); coding-DNA position 40, G replaced by A.
Protein change: p.Ala14Thr; replaces alanine 14 with threonine.
Molecular consequence: missense variant.
Genome position (GRCh38, 1-based): chrX:123,184,575, G>A. VCF-style: chrX-123184575-G-A. GRCh37 (hg19) VCF-style: chrX-122318427-G-A.
Other names: c.40G>A, p.Ala14Thr (NM_000828.5, NM_001256743.2); short protein forms A14T.
Identifiers: ClinVar variation 985615 (VCV000985615.9), dbSNP rs1443326387, ClinGen allele CA414254767.
Genomic context (GRCh38, chrX:123,184,575, plus strand): 5'-CAGCTTCGTTTTAGGCGTAGCATGGCCAGGCAGAAGAAAATGGGGCAAAGCGTGCTCCGG[G>A]CGGTCTTCTTTTTAGTCCTGGGGCTTTTGGGTCATTCTCACGGAGGATTCCCCAACACCA-3'
Protein context (NP_015564.5, residues 4-24): QKKMGQSVLR[Ala14Thr]VFFLVLGLLG